The following is an entry in ClinVar:

NM_021964.3(ZNF148):c.1665del (p.Gln555fs)

Genes: ZNF148 (zinc finger protein 148; minus strand), LOC126806798 (P300/CBP strongly-dependent group 1 enhancer GRCh37_chr3:124950809-124952008; plus strand). Cytogenetic location: 3q21.2.
Variant type: Deletion.
Coding change: c.1665del on transcript NM_021964.3 (MANE Select); coding-DNA position 1665, one base deleted (G; older notation c.1665delG).
Protein change: p.Gln555fs; shifts the reading frame from glutamine 555.
Molecular consequence: frameshift variant.
Genome position (GRCh38, 1-based): chr3:125,233,061, C deleted on the plus strand (G on the coding strand, the reverse complement: ZNF148 is on the minus strand). VCF-style (leftmost placement, unchanged base first): chr3-125233060-GC-G. GRCh37 (hg19) VCF-style: chr3-124951904-GC-G.
Other names: c.1665del, p.Gln555fs (NM_001348427.2, NM_001348428.2, NM_001348429.2 and 7 more transcripts); c.1539del, p.Gln513fs (NM_001348434.2); short protein forms Q513fs, Q555fs.
Identifiers: ClinVar variation 4055828 (VCV004055828.1).
Genomic context (GRCh38, chr3:125,233,060, plus strand): 5'-AAGAATTTATTGATATGCTAGAAGTCACTTCAGTATCTGCAACACTGAAGGATATCTCAT[GC>G]TGTCCATTAGCTTTGTGGGAATAATGATCCAACAGAGTCTGCAGTACCTCATCTGGAATA-3'

ClinVar aggregate classification (germline): Likely pathogenic (1 of 4 stars; one submission).

Submission:

GeneDx
Classification: Likely pathogenic. Last evaluated: 2025-01-07. Review status: criteria provided, single submitter. Criteria: GeneDx Variant Classification Process June 2021. Collection method: clinical testing. Allele origin: germline. Affected: yes.
Comment: Frameshift variant predicted to result in abnormal protein length as the last 240 amino acid(s) are replaced with 12 different amino acid(s); Not observed at significant frequency in large population cohorts (gnomAD); Has not been previously published as pathogenic or benign to our knowledge